The following is an entry in ClinVar:

ClinVar aggregate classification (germline): Uncertain significance (1 of 4 stars; one submission).

Conditions:
Hereditary cancer-predisposing syndrome. Also called: Tumor predisposition; Hereditary Cancer Syndrome; Hereditary neoplastic syndrome; Neoplastic Syndromes, Hereditary. Identifiers: Orphanet 140162, MedGen C0027672, MeSH D009386, MONDO:0015356.

Allele frequency attached by ClinVar (database versions not stated): gnomAD exomes below 0.00001.
gnomAD v4.1: 1 of 1,614,162 alleles (0.000062%); highest among the groups gnomAD compares: East Asian, 0.0022%; no homozygotes.

Submission:

Ambry Genetics
Classification: Uncertain significance for Hereditary cancer-predisposing syndrome. Last evaluated: 2023-08-02. Review status: criteria provided, single submitter. Criteria: Ambry Variant Classification Scheme 2023. Collection method: clinical testing. Allele origin: germline.
Comment: The p.A548T variant (also known as c.1642G>A), located in coding exon 15 of the NF2 gene, results from a G to A substitution at nucleotide position 1642. The alanine at codon 548 is replaced by threonine, an amino acid with similar properties. This amino acid position is conserved. In addition, the in silico prediction for this alteration is inconclusive. Since supporting evidence is limited at this time, the clinical significance of this alteration remains unclear.

NM_000268.4(NF2):c.1642G>A (p.Ala548Thr)

Gene: NF2 (NF2, moesin-ezrin-radixin like (MERLIN) tumor suppressor; plus strand). Cytogenetic location: 22q12.2.
Variant type: single nucleotide variant.
Coding change: c.1642G>A on transcript NM_000268.4 (MANE Select); coding-DNA position 1642, G replaced by A.
Protein change: p.Ala548Thr; replaces alanine 548 with threonine.
Molecular consequence: missense variant. On other transcripts: intron variant (3).
Genome position (GRCh38, 1-based): chr22:29,681,506, G>A. VCF-style: chr22-29681506-G-A. GRCh37 (hg19) VCF-style: chr22-30077495-G-A.
Other names: c.1528G>A, p.Ala510Thr (NM_001407053.1, NM_001407056.1); c.1519G>A, p.Ala507Thr (NM_001407054.1, NM_001407058.1, NM_181829.3); c.1516G>A, p.Ala506Thr (NM_001407055.1, NM_181828.3); c.1507G>A, p.Ala503Thr (NM_001407057.1, NM_001407059.1); c.1384G>A, p.Ala462Thr (NM_001407062.1); c.1393G>A, p.Ala465Thr (NM_001407063.1, NM_181830.3, NM_181831.3); c.1108G>A, p.Ala370Thr (NM_001407065.1); c.1642G>A, p.Ala548Thr (NM_001407066.1, NM_016418.5, NM_181825.3 and 1 more transcripts); and 4 more; short protein forms A465T, A471T, A507T, A510T, A503T, A462T, A506T, A370T.
Identifiers: ClinVar variation 2624989 (VCV002624989.2), dbSNP rs2147122923, ClinGen allele CA411150151.